The following is an entry in ClinVar:

NM_021615.5(CHST6):c.*4605C>T

Gene: CHST6 (carbohydrate sulfotransferase 6; minus strand). Cytogenetic location: 16q23.1.
Variant type: single nucleotide variant.
Coding change: c.*4605C>T on transcript NM_021615.5 (MANE Select); 4605 bases downstream of the stop codon, C replaced by T.
Molecular consequence: 3 prime UTR variant.
Genome position (GRCh38, 1-based): chr16:75,474,036, G>A on the plus strand (C>T on the coding strand, the complement: CHST6 is on the minus strand). VCF-style: chr16-75474036-G-A. GRCh37 (hg19) VCF-style: chr16-75507934-G-A.
Identifiers: ClinVar variation 320513 (VCV000320513.5), dbSNP rs150105169, ClinGen allele CA10648949.

ClinVar aggregate classification (germline): Benign (1 of 4 stars; one submission).

Conditions:
Macular corneal dystrophy (MCD). Also called: GROENOUW TYPE II CORNEAL DYSTROPHY; Macular corneal dystrophy Type I. Identifiers: Orphanet 98969, MedGen C1636149, MONDO:0009020, OMIM 217800.

Allele frequency attached by ClinVar (database versions not stated): TOPMed 0.00894; 1000 Genomes Project 0.00938; 1000 Genomes Project 30x 0.00999.

Submission:

Illumina Laboratory Services, Illumina
Classification: Benign for Macular corneal dystrophy. Last evaluated: 2018-01-13. Review status: criteria provided, single submitter. Criteria: ICSL Variant Classification Criteria 13 December 2019. Collection method: clinical testing. Allele origin: germline.
Comment: This variant was observed in the ICSL laboratory as part of a predisposition screen in an ostensibly healthy population. It had not been previously curated by ICSL or reported in the Human Gene Mutation Database (HGMD: prior to June 1st, 2018), and was therefore a candidate for classification through an automated scoring system. Utilizing variant allele frequency, disease prevalence and penetrance estimates, and inheritance mode, an automated score was calculated to assess if this variant is too frequent to cause the disease. Based on the score and internal cut-off values, a variant classified as benign is not then subjected to further curation. The score for this variant resulted in a classification of benign for this disease.